The following is an entry in ClinVar:

ClinVar aggregate classification (germline): Pathogenic (1 of 4 stars; one submission).

Allele frequency attached by ClinVar (database versions not stated): gnomAD exomes below 0.00001.
gnomAD v4.1: 3 of 1,613,496 alleles (0.00019%); highest among the groups gnomAD compares: South Asian, 0.0011%; no homozygotes.

Submission:

Labcorp Genetics (formerly Invitae), Labcorp
Classification: Pathogenic. Last evaluated: 2022-09-23. Review status: criteria provided, single submitter. Criteria: Invitae Variant Classification Sherloc (09022015). Collection method: clinical testing. Allele origin: germline.
Comment: This sequence change creates a premature translational stop signal (p.Gln591*) in the ERCC3 gene. It is expected to result in an absent or disrupted protein product. Loss-of-function variants in ERCC3 are known to be pathogenic (PMID: 16947863). This variant is present in population databases (no rsID available, gnomAD 0.0009%). This variant has not been reported in the literature in individuals affected with ERCC3-related conditions. For these reasons, this variant has been classified as Pathogenic.

Literature cited by the submitters: PubMed 16947863.

NM_000122.2(ERCC3):c.1771C>T (p.Gln591Ter)

Gene: ERCC3 (ERCC excision repair 3, TFIIH core complex helicase subunit; minus strand). Cytogenetic location: 2q14.3.
Variant type: single nucleotide variant.
Coding change: c.1771C>T on transcript NM_000122.2 (MANE Select); coding-DNA position 1771, C replaced by T.
Protein change: p.Gln591Ter; replaces glutamine 591 with a stop codon.
Molecular consequence: nonsense.
Genome position (GRCh38, 1-based): chr2:127,272,921, G>A on the plus strand (C>T on the coding strand, the complement: ERCC3 is on the minus strand). VCF-style: chr2-127272921-G-A. GRCh37 (hg19) VCF-style: chr2-128030497-G-A.
Other names: c.1579C>T, p.Gln527Ter (NM_001303416.2, NM_001303418.2); short protein forms Q527*, Q591*.
Identifiers: ClinVar variation 2032305 (VCV002032305.4), dbSNP rs1200552239, ClinGen allele CA348387832.